The following is an entry in ClinVar:

ClinVar aggregate classification (germline): Uncertain significance (1 of 4 stars; one submission).

Conditions:
Dilated cardiomyopathy 1O (CMD1O). Also called: CARDIOMYOPATHY, DILATED, WITH VENTRICULAR TACHYCARDIA. Identifiers: Orphanet 154, MedGen C1837839, MONDO:0012062, OMIM 608569.

Submission:

Labcorp Genetics (formerly Invitae), Labcorp
Classification: Uncertain significance for Dilated cardiomyopathy 1O. Last evaluated: 2022-03-18. Review status: criteria provided, single submitter. Criteria: Invitae Variant Classification Sherloc (09022015). Collection method: clinical testing. Allele origin: germline.
Comment: In summary, the available evidence is currently insufficient to determine the role of this variant in disease. Therefore, it has been classified as a Variant of Uncertain Significance. This variant has not been reported in the literature in individuals affected with ABCC9-related conditions. This variant is a gross deletion of the genomic region encompassing exon(s) 8-10 of the ABCC9 gene. This deletion is out-of-frame, and is expected to create a premature translational stop signal and result in an absent or disrupted protein product. However, the current clinical and genetic evidence is not sufficient to establish whether loss-of-function variants in ABCC9 cause disease.

NC_000012.11:g.(?_22059040)_(22063266_?)del

Gene: ABCC9 (ATP binding cassette subfamily C member 9; minus strand). Cytogenetic location: 12p12.1.
Variant type: Deletion.
Identifiers: ClinVar variation 2425399 (VCV002425399.4).